The following is an entry in ClinVar:

NM_002303.6(LEPR):c.2745T>A (p.Pro915=)

Gene: LEPR (leptin receptor; plus strand). Cytogenetic location: 1p31.3.
Variant type: single nucleotide variant.
Coding change: c.2745T>A on transcript NM_002303.6 (MANE Select); coding-DNA position 2745, T replaced by A.
Protein change: p.Pro915=; no amino-acid change (proline 915 retained).
Molecular consequence: synonymous variant.
Genome position (GRCh38, 1-based): chr1:65,636,262, T>A. VCF-style: chr1-65636262-T-A. GRCh37 (hg19) VCF-style: chr1-66101945-T-A.
Identifiers: ClinVar variation 3357986 (VCV003357986.1).

ClinVar aggregate classification (germline): Likely benign (0 of 4 stars; one submission).

Conditions:
LEPR-related disorder. Also called: LEPR-related condition; LEPR-related disorders.

Submission:

PreventionGenetics, part of Exact Sciences
Classification: Likely benign for LEPR-related condition. Last evaluated: 2021-02-04. Review status: no assertion criteria provided. Collection method: clinical testing. Allele origin: germline.
Comment: This variant is classified as likely benign based on ACMG/AMP sequence variant interpretation guidelines (Richards et al. 2015 PMID: 25741868, with internal and published modifications).